The following is an entry in ClinVar:

NM_080425.4(GNAS):c.168C>T (p.Asn56=)

Gene: GNAS (GNAS complex locus; plus strand). Cytogenetic location: 20q13.32.
Variant type: single nucleotide variant.
Coding change: c.168C>T on transcript NM_080425.4 (MANE Plus Clinical); coding-DNA position 168, C replaced by T.
Protein change: p.Asn56=; no amino-acid change (asparagine 56 retained).
Molecular consequence: synonymous variant. On other transcripts: 5 prime UTR variant (2), intron variant (3).
Genome position (GRCh38, 1-based): chr20:58,853,433, C>T. VCF-style: chr20-58853433-C-T. GRCh37 (hg19) VCF-style: chr20-57428488-C-T.
Other names: c.-20C>T (NM_001077490.3, NM_001309883.1); c.168C>T, p.Asn56= (NM_001410913.1); c.*42+12547C>T (NM_016592.5); c.43+12547C>T (NM_001410912.1); c.-39+11558C>T (NM_001309861.2).
Identifiers: ClinVar variation 3040111 (VCV003040111.2), dbSNP rs2516362154, ClinGen allele CA511316009.
Genomic context (GRCh38, chr20:58,853,433, plus strand): 5'-AGCTGCCCCCGGTGCTGGGCCTAGCCCAGCCGAAGAGATGGAGACCGAACCGCCTCACAA[C>T]GAGCCCATCCCCGTCGAGAATGATGGCGAGGCCTGTGGACCCCCAGAGGTCTCCAGACCC-3'
Protein context (NP_536350.2, residues 46-66): AEEMETEPPH[Asn56=]EPIPVENDGE

ClinVar aggregate classification (germline): Likely benign (0 of 4 stars; one submission).

Conditions:
GNAS-related disorder. Identifiers: MedGen CN380105.

Submission:

PreventionGenetics, part of Exact Sciences
Classification: Likely benign for GNAS-related condition. Last evaluated: 2023-03-16. Review status: no assertion criteria provided. Collection method: clinical testing. Allele origin: germline.
Comment: This variant is classified as likely benign based on ACMG/AMP sequence variant interpretation guidelines (Richards et al. 2015 PMID: 25741868, with internal and published modifications).